The following is an entry in ClinVar:

ClinVar aggregate classification (germline): Uncertain significance. Review status: criteria provided, multiple submitters, no conflicts (2 of 4 stars). 3 submissions from 3 submitters: Uncertain significance (3). Last evaluated 2026-09-01.

Conditions:
Inborn genetic diseases. Identifiers: MedGen C0950123, MeSH D030342.

Allele frequency attached by ClinVar (database versions not stated): gnomAD exomes 0.00001; TOPMed 0.00003; ExAC 0.00005; gnomAD 0.00005.
gnomAD v4.1: 26 of 1,613,768 alleles (0.0016%); highest among the groups gnomAD compares: Admixed American, 0.028%; no homozygotes.

Submissions (3):

CeGaT Center for Human Genetics Tuebingen
Classification: Uncertain significance. Last evaluated: 2026-09-01. Review status: criteria provided, single submitter. Criteria: CeGaT Center For Human Genetics Tuebingen Variant Classification Criteria Version 2. Collection method: clinical testing. Allele origin: germline. Affected: yes. Observed: 1 variant allele.
Comment: THPO: PM2, PVS1:Supporting

Ambry Genetics
Classification: Uncertain significance for Inborn genetic diseases. Last evaluated: 2024-11-07. Review status: criteria provided, single submitter. Criteria: Ambry Variant Classification Scheme 2023. Collection method: clinical testing. Allele origin: germline.

Labcorp Genetics (formerly Invitae), Labcorp
Classification: Uncertain significance. Last evaluated: 2024-04-15. Review status: criteria provided, single submitter. Criteria: Invitae Variant Classification Sherloc (09022015). Collection method: clinical testing. Allele origin: germline.
Comment: This sequence change replaces threonine, which is neutral and polar, with asparagine, which is neutral and polar, at codon 214 of the THPO protein (p.Thr214Asn). This variant is present in population databases (rs757001881, gnomAD 0.04%). This variant has not been reported in the literature in individuals affected with THPO-related conditions. ClinVar contains an entry for this variant (Variation ID: 2387782). An algorithm developed to predict the effect of missense changes on protein structure and function (PolyPhen-2) suggests that this variant is likely to be disruptive. In summary, the available evidence is currently insufficient to determine the role of this variant in disease. Therefore, it has been classified as a Variant of Uncertain Significance.

NM_000460.4(THPO):c.641C>A (p.Thr214Asn)

Gene: THPO (thrombopoietin; minus strand). Cytogenetic location: 3q27.1.
Variant type: single nucleotide variant.
Coding change: c.641C>A on transcript NM_000460.4 (MANE Select); coding-DNA position 641, C replaced by A.
Protein change: p.Thr214Asn; replaces threonine 214 with asparagine.
Molecular consequence: missense variant. On other transcripts: nonsense (4).
Genome position (GRCh38, 1-based): chr3:184,372,934, G>T on the plus strand (C>A on the coding strand, the complement: THPO is on the minus strand). VCF-style: chr3-184372934-G-T. GRCh37 (hg19) VCF-style: chr3-184090722-G-T.
Other names: c.629C>A, p.Thr210Asn (NM_001177597.2, NM_001290022.1); c.624C>A, p.Tyr208Ter (NM_001177598.2, NM_001290026.1); c.525C>A, p.Tyr175Ter (NM_001289997.1, NM_001290027.1); c.641C>A, p.Thr214Asn (NM_001289998.1, NM_001290028.1); c.1061C>A, p.Thr354Asn (NM_001290003.1); short protein forms T210N, Y175*, Y208*, T354N, T214N.
Identifiers: ClinVar variation 2387782 (VCV002387782.7), dbSNP rs757001881, ClinGen allele CA2734899.
Genomic context (GRCh38, chr3:184,372,934, plus strand): 5'-TTCAGCAGACCAGGAATCTTGGCTCTGAATCCCTGCTGCCACTTCAGAAGCCCAGAGCCA[G>T]TAGTTCTGGCTGAGGCAGTGAAGTTTGTCTCCAACAATCCAGAAGTCCTGTTTGGGAGCT-3'
Protein context (NP_000451.1, residues 204-224): ETNFTASART[Thr214Asn]GSGLLKWQQG